The following is an entry in ClinVar:

NM_152594.3(SPRED1):c.299G>T (p.Gly100Val)

Gene: SPRED1 (sprouty related EVH1 domain containing 1; plus strand). Cytogenetic location: 15q14.
Variant type: single nucleotide variant.
Coding change: c.299G>T on transcript NM_152594.3 (MANE Select); coding-DNA position 299, G replaced by T.
Protein change: p.Gly100Val; replaces glycine 100 with valine.
Molecular consequence: missense variant.
Genome position (GRCh38, 1-based): chr15:38,322,332, G>T. VCF-style: chr15-38322332-G-T. GRCh37 (hg19) VCF-style: chr15-38614533-G-T.
Other names: short protein forms G100V.
Identifiers: ClinVar variation 1329599 (VCV001329599.7), dbSNP rs1555391048, ClinGen allele CA391932097.
Genomic context (GRCh38, chr15:38,322,332, plus strand): 5'-TCATTTATAATAAGGTCACTCCAACATTTCACCACTGGAAGATTGATGACAAGAAGTTTG[G>T]TCTTACGTTTCAAAGTCCTGCTGATGCTAGGGCTTTTGATAGAGGTATCCGAAGAGCTAT-3'
Protein context (NP_689807.1, residues 90-110): HHWKIDDKKF[Gly100Val]LTFQSPADAR

ClinVar aggregate classification (germline): Uncertain significance. Review status: criteria provided, multiple submitters, no conflicts (2 of 4 stars). 2 submissions from 2 submitters: Uncertain significance (2). Last evaluated 2021-09-16.

Conditions:
Legius syndrome. Identifiers: Orphanet 137605, MedGen C1969623, MONDO:0012669, OMIM 611431. Disease mechanism: loss of function.

Submissions (2):

Labcorp Genetics (formerly Invitae), Labcorp
Classification: Uncertain significance for Legius syndrome. Last evaluated: 2021-09-16. Review status: criteria provided, single submitter. Criteria: Invitae Variant Classification Sherloc (09022015). Collection method: clinical testing. Allele origin: germline.
Comment: In summary, the available evidence is currently insufficient to determine the role of this variant in disease. Therefore, it has been classified as a Variant of Uncertain Significance. Algorithms developed to predict the effect of missense changes on protein structure and function (SIFT, PolyPhen-2, Align-GVGD) all suggest that this variant is likely to be disruptive. This variant has not been reported in the literature in individuals affected with SPRED1-related conditions. This variant is not present in population databases (ExAC no frequency). This sequence change replaces glycine with valine at codon 100 of the SPRED1 protein (p.Gly100Val). The glycine residue is highly conserved and there is a moderate physicochemical difference between glycine and valine.

GeneDx
Classification: Uncertain significance. Last evaluated: 2021-06-23. Review status: criteria provided, single submitter. Criteria: GeneDx Variant Classification Process June 2021. Collection method: clinical testing. Allele origin: germline. Affected: yes.
Comment: Not observed at significant frequency in large population cohorts (Lek 2016); In silico analysis supports that this missense variant has a deleterious effect on protein structure/function; Has not been previously published as pathogenic or benign to our knowledge; This variant is associated with the following publications: (PMID: 27535533)